The following is an entry in ClinVar:

NM_004817.4(TJP2):c.3322A>G (p.Ile1108Val)

Gene: TJP2 (tight junction protein 2; plus strand). Cytogenetic location: 9q21.11.
Variant type: single nucleotide variant.
Coding change: c.3322A>G on transcript NM_004817.4 (MANE Select); coding-DNA position 3322, A replaced by G.
Protein change: p.Ile1108Val; replaces isoleucine 1108 with valine.
Molecular consequence: missense variant.
Genome position (GRCh38, 1-based): chr9:69,252,815, A>G. VCF-style: chr9-69252815-A-G. GRCh37 (hg19) VCF-style: chr9-71867731-A-G.
Other names: c.2812A>G, p.Ile938Val (NM_001170414.2); c.3223A>G, p.Ile1075Val (NM_001170415.1); c.3415A>G, p.Ile1139Val (NM_001170416.2); c.3247A>G, p.Ile1083Val (NM_001369870.1); c.3253A>G, p.Ile1085Val (NM_001369871.1); c.3211A>G, p.Ile1071Val (NM_001369872.1); c.2998A>G, p.Ile1000Val (NM_001369873.1); c.2893A>G, p.Ile965Val (NM_001369874.1); and 3 more; short protein forms I1108V, I1075V, I1083V, I1112V, I938V, I1000V, I1071V, I1085V.
Identifiers: ClinVar variation 594399 (VCV000594399.13), dbSNP rs201835299, ClinGen allele CA5073943.
Genomic context (GRCh38, chr9:69,252,815, plus strand): 5'-AGCAGAGTGCCCAGTGGTTCATTCTTTCACTCTTATTCTTTTCTTTTTTAATTACCACAG[A>G]TCGAAATTGCCCAGAAGCATCCTGATATCTATGCAGTTCCAATCAAAACGCACAAGCCAG-3'
Protein context (NP_004808.2, residues 1098-1118): QELQEAQNAR[Ile1108Val]EIAQKHPDIY

ClinVar aggregate classification (germline): Uncertain significance. Review status: criteria provided, multiple submitters, no conflicts (2 of 4 stars). 5 submissions from 5 submitters: Uncertain significance (5). Last evaluated 2026-07-13.

Conditions:
Inborn genetic diseases. Identifiers: MedGen C0950123, MeSH D030342.
TJP2-related disorder. Also called: TJP2-related condition.

Allele frequency attached by ClinVar (database versions not stated): gnomAD 0.00005; TOPMed 0.00006; gnomAD exomes 0.00009 and 0.00013; ExAC 0.00012.
gnomAD v4.1: 188 of 1,613,990 alleles (0.012%); highest among the groups gnomAD compares: Non-Finnish European, 0.015%; no homozygotes.

Submissions (5):

PreventionGenetics, part of Exact Sciences
Classification: Uncertain significance for TJP2-related condition. Last evaluated: 2026-07-13. Review status: criteria provided, single submitter. Criteria: ACMG Guidelines, 2015. Collection method: clinical testing. Allele origin: germline.
Comment: The TJP2 c.3322A>G variant is predicted to result in the amino acid substitution p.Ile1108Val. To our knowledge, this variant has not been reported in the literature. This variant is reported in 0.019% of alleles in individuals of European (Non-Finnish) descent in gnomAD. At this time, the clinical significance of this variant is uncertain due to the absence of conclusive functional and genetic evidence.

Labcorp Genetics (formerly Invitae), Labcorp
Classification: Uncertain significance. Last evaluated: 2022-09-07. Review status: criteria provided, single submitter. Criteria: Invitae Variant Classification Sherloc (09022015). Collection method: clinical testing. Allele origin: germline.
Comment: In summary, the available evidence is currently insufficient to determine the role of this variant in disease. Therefore, it has been classified as a Variant of Uncertain Significance. Algorithms developed to predict the effect of missense changes on protein structure and function (SIFT, PolyPhen-2, Align-GVGD) all suggest that this variant is likely to be tolerated. ClinVar contains an entry for this variant (Variation ID: 594399). This variant has not been reported in the literature in individuals affected with TJP2-related conditions. This variant is present in population databases (rs201835299, gnomAD 0.02%). This sequence change replaces isoleucine, which is neutral and non-polar, with valine, which is neutral and non-polar, at codon 1108 of the TJP2 protein (p.Ile1108Val).

GeneDx
Classification: Uncertain significance. Last evaluated: 2022-04-19. Review status: criteria provided, single submitter. Criteria: GeneDx Variant Classification Process June 2021. Collection method: clinical testing. Allele origin: germline. Affected: yes.
Comment: In silico analysis, which includes protein predictors and evolutionary conservation, supports that this variant does not alter protein structure/function; Has not been previously published as pathogenic or benign to our knowledge

Ambry Genetics
Classification: Uncertain significance for Inborn genetic diseases. Last evaluated: 2021-10-12. Review status: criteria provided, single submitter. Criteria: Ambry Variant Classification Scheme 2023. Collection method: clinical testing. Allele origin: germline.

Eurofins Ntd Llc (ga)
Classification: Uncertain significance. Last evaluated: 2017-10-05. Review status: criteria provided, single submitter. Criteria: EGL Classification Definitions 2015. Collection method: clinical testing. Allele origin: germline. Observed: 1 variant allele, 1 heterozygote.